The following is an entry in ClinVar:

NM_020975.6(RET):c.2715C>T (p.Tyr905=)

Gene: RET (ret proto-oncogene; plus strand). Cytogenetic location: 10q11.21.
Variant type: single nucleotide variant.
Coding change: c.2715C>T on transcript NM_020975.6 (MANE Select); coding-DNA position 2715, C replaced by T.
Protein change: p.Tyr905=; no amino-acid change (tyrosine 905 retained).
Molecular consequence: synonymous variant.
Genome position (GRCh38, 1-based): chr10:43,120,188, C>T. VCF-style: chr10-43120188-C-T. GRCh37 (hg19) VCF-style: chr10-43615636-C-T.
Other names: c.2715C>T, p.Tyr905= (NM_000323.2, NM_001406743.1, NM_001406744.1 and 4 more transcripts); c.1953C>T, p.Tyr651= (NM_001355216.2); c.2586C>T, p.Tyr862= (NM_001406761.1, NM_001406762.1, NM_001406764.1); c.2580C>T, p.Tyr860= (NM_001406763.1, NM_001406765.1); c.2427C>T, p.Tyr809= (NM_001406766.1, NM_001406767.1, NM_001406770.1); c.2451C>T, p.Tyr817= (NM_001406768.1); c.2319C>T, p.Tyr773= (NM_001406769.1, NM_001406772.1); c.2277C>T, p.Tyr759= (NM_001406771.1, NM_001406773.1); and 10 more.
Identifiers: ClinVar variation 215913 (VCV000215913.21), dbSNP rs755023496, ClinGen allele CA040517.

ClinVar aggregate classification (germline): Benign/Likely benign. Review status: criteria provided, multiple submitters, no conflicts (2 of 4 stars). 8 submissions from 8 submitters: Benign (1); Likely benign (6). 1 of the submissions does not count toward it. Last evaluated 2026-01-13.

Conditions:
Pheochromocytoma. Also called: MAX-Related Hereditary Paraganglioma-Pheochromocytoma Syndrome. Identifiers: Orphanet 29072, MedGen C0031511, MONDO:0008233, OMIM 171300, HP:0002666.
Hirschsprung disease, susceptibility to, 1 (HSCR1). Also called: RET-Related Hirschsprung Disease. Identifiers: Orphanet 388, MedGen C3888239, MONDO:0007723, OMIM 142623.
Familial medullary thyroid carcinoma (MTC). Also called: Thyroid cancer, familial medullary; MTC, familial; Familial Medullary Thyroid Carcinoma (FMTC). Identifiers: Orphanet 653, Orphanet 99361, MedGen C1833921, MONDO:0007958, OMIM 155240.
Multiple endocrine neoplasia type 2B. Also called: WAGENMANN-FROBOESE SYNDROME; MULTIPLE ENDOCRINE NEOPLASIA, TYPE III; MEN 2B; MUCOSAL NEUROMA SYNDROME; MULTIPLE ENDOCRINE NEOPLASIA, TYPE IIB; MEN IIB. Identifiers: Orphanet 247709, Orphanet 653, MedGen C0025269, MeSH D018814, MONDO:0008082, OMIM 162300.
Multiple endocrine neoplasia type 2A. Also called: MULTIPLE ENDOCRINE NEOPLASIA, TYPE IIA; PTC SYNDROME; SIPPLE SYNDROME; MEN 2A; MEN-2A syndrome; Pheochromocytoma and amyloid producing medullary thyroid carcinoma. Identifiers: Orphanet 247698, Orphanet 653, MedGen C0025268, MeSH D018813, MONDO:0008234, OMIM 171400.
Hereditary cancer-predisposing syndrome. Also called: Tumor predisposition; Hereditary neoplastic syndrome; Neoplastic Syndromes, Hereditary; Hereditary Cancer Syndrome. Identifiers: Orphanet 140162, MedGen C0027672, MeSH D009386, MONDO:0015356.
Multiple endocrine neoplasia, type 2 (MEN2). Identifiers: Orphanet 653, MedGen C4048306, MONDO:0019003. Disease mechanism: gain of function.

Allele frequency attached by ClinVar (database versions not stated): ExAC 0.00001; gnomAD 0.00001; gnomAD exomes 0.00002; TOPMed 0.00002.
gnomAD v4.1: 27 of 1,612,818 alleles (0.0017%); highest among the groups gnomAD compares: East Asian, 0.0022%; no homozygotes.

Submissions (8):

Labcorp Genetics (formerly Invitae), Labcorp
Classification: Likely benign for Multiple endocrine neoplasia, type 2. Last evaluated: 2026-01-13. Review status: criteria provided, single submitter. Criteria: Invitae Variant Classification Sherloc (09022015). Collection method: clinical testing. Allele origin: germline.

Myriad Genetics, Inc.
Classification: Benign for Multiple endocrine neoplasia type 2A. Last evaluated: 2023-04-18. Review status: criteria provided, single submitter. Criteria: Myriad Autosomal Dominant, Autosomal Recessive and X-Linked Classification Criteria (2023). Collection method: clinical testing. Allele origin: unknown.
Comment: This variant is considered benign. This variant is a silent/synonymous amino acid change and it is not expected to impact splicing.

All of Us Research Program, National Institutes of Health
Classification: Likely benign for Multiple endocrine neoplasia, type 2. Last evaluated: 2023-02-15. Review status: criteria provided, single submitter. Criteria: ACMG Guidelines, 2015. Collection method: clinical testing. Allele origin: germline. Inheritance: Autosomal dominant inheritance. Observed: 1 variant allele, 1 heterozygote.
Comment: This study involves interpretation of variants in research participants for the purpose of population health screening. Participant phenotype was not available at the time of variant classification. Additional details can be found in publication PMID: 35346344, PMCID: PMC8962531

Color Diagnostics, LLC DBA Color Health
Classification: Likely benign for Multiple endocrine neoplasia, type 2. Last evaluated: 2022-09-29. Review status: criteria provided, single submitter. Criteria: ACMG Guidelines, 2015. Collection method: clinical testing. Allele origin: germline.

Fulgent Genetics
Classification: Likely benign for Hirschsprung disease, susceptibility to, 1; Familial medullary thyroid carcinoma; Multiple endocrine neoplasia type 2B; Pheochromocytoma; Multiple endocrine neoplasia type 2A. Last evaluated: 2021-12-30. Review status: criteria provided, single submitter. Criteria: ACMG Guidelines, 2015. Collection method: clinical testing. Allele origin: unknown.

Sema4
Classification: Likely benign for Hereditary cancer-predisposing syndrome. Last evaluated: 2021-05-06. Review status: criteria provided, single submitter. Criteria: Sema4 Curation Guidelines. Collection method: curation. Allele origin: germline.

Ambry Genetics
Classification: Likely benign for Hereditary cancer-predisposing syndrome. Last evaluated: 2017-06-01. Review status: criteria provided, single submitter. Criteria: Ambry Variant Classification Scheme 2023. Collection method: clinical testing. Allele origin: germline.

Counsyl
Classification: Likely benign for Multiple endocrine neoplasia type 2A. Last evaluated: 2017-03-21. Review status: no assertion criteria provided. Collection method: clinical testing. Allele origin: unknown. Not counted in ClinVar's aggregate classification.